The following is an entry in ClinVar:

ClinVar aggregate classification (germline): Uncertain significance (1 of 4 stars; one submission).

Conditions:
3-methylcrotonyl-CoA carboxylase 2 deficiency. Also called: 3 alpha methylcrotonyl-CoA carboxylase 2 deficiency; 3 alpha methylcrotonylglycinuria 2; METHYLCROTONYLGLYCINURIA, TYPE II; MCC 2 deficiency; Methylcrotonylglycinuria type 2. Identifiers: Orphanet 6, MedGen C1859499, MONDO:0008862, OMIM 210210.

gnomAD v4.1: 2 of 1,538,076 alleles (0.00013%); highest among the groups gnomAD compares: Non-Finnish European, 0.00017%; no homozygotes.

Submission:

Labcorp Genetics (formerly Invitae), Labcorp
Classification: Uncertain significance for 3-methylcrotonyl-CoA carboxylase 2 deficiency. Last evaluated: 2024-03-03. Review status: criteria provided, single submitter. Criteria: Invitae Variant Classification Sherloc (09022015). Collection method: clinical testing. Allele origin: germline.
Comment: This sequence change replaces histidine, which is basic and polar, with aspartic acid, which is acidic and polar, at codon 24 of the MCCC2 protein (p.His24Asp). This variant is not present in population databases (gnomAD no frequency). This variant has not been reported in the literature in individuals affected with MCCC2-related conditions. Advanced modeling of protein sequence and biophysical properties (such as structural, functional, and spatial information, amino acid conservation, physicochemical variation, residue mobility, and thermodynamic stability) performed at Invitae indicates that this missense variant is expected to disrupt MCCC2 protein function with a positive predictive value of 95%. In summary, the available evidence is currently insufficient to determine the role of this variant in disease. Therefore, it has been classified as a Variant of Uncertain Significance.

NM_022132.5(MCCC2):c.70C>G (p.His24Asp)

Gene: MCCC2 (methylcrotonyl-CoA carboxylase subunit 2; plus strand). Cytogenetic location: 5q13.2.
Variant type: single nucleotide variant.
Coding change: c.70C>G on transcript NM_022132.5 (MANE Select); coding-DNA position 70, C replaced by G.
Protein change: p.His24Asp; replaces histidine 24 with aspartic acid.
Molecular consequence: missense variant.
Genome position (GRCh38, 1-based): chr5:71,587,495, C>G. VCF-style: chr5-71587495-C-G. GRCh37 (hg19) VCF-style: chr5-70883322-C-G.
Other names: c.70C>G, p.His24Asp (NM_001363147.1); short protein forms H24D.
Identifiers: ClinVar variation 3676366 (VCV003676366.2).